The following is an entry in ClinVar:

NM_138387.4(G6PC3):c.218+1G>A

Genes: G6PC3 (glucose-6-phosphatase catalytic subunit 3; plus strand), LOC130060959 (ATAC-STARR-seq lymphoblastoid active region 12250; plus strand). Cytogenetic location: 17q21.31.
Variant type: single nucleotide variant.
Coding change: c.218+1G>A on transcript NM_138387.4 (MANE Select); the canonical splice donor site of the intron after coding-DNA position 218, G replaced by A.
Molecular consequence: splice donor variant. On other transcripts: 5 prime UTR variant (1), intron variant (1).
Genome position (GRCh38, 1-based): chr17:44,071,184, G>A. VCF-style: chr17-44071184-G-A. GRCh37 (hg19) VCF-style: chr17-42148552-G-A.
Other names: c.-186G>A (NM_001384165.1); c.-311-444G>A (NM_001384168.1); c.-322+1G>A (NM_001384166.1); c.-312+1G>A (NM_001384167.1); c.218+1G>A (NM_001319945.2).
Identifiers: ClinVar variation 1430600 (VCV001430600.8), dbSNP rs772298089, ClinGen allele CA8595906.

ClinVar aggregate classification (germline): Pathogenic (1 of 4 stars; one submission).

Conditions:
Autosomal recessive severe congenital neutropenia due to G6PC3 deficiency. Also called: NEUTROPENIA, SEVERE CONGENITAL, 4, AUTOSOMAL RECESSIVE; G6PC3 Deficiency. Identifiers: Orphanet 331176, MedGen C2751630, MONDO:0012930, OMIM 612541.

Allele frequency attached by ClinVar (database versions not stated): gnomAD exomes below 0.00001 and 0.00001.
gnomAD v4.1: 3 of 1,612,638 alleles (0.00019%); highest among the groups gnomAD compares: Admixed American, 0.0033%; no homozygotes.

Submission:

Labcorp Genetics (formerly Invitae), Labcorp
Classification: Pathogenic for Autosomal recessive severe congenital neutropenia due to G6PC3 deficiency. Last evaluated: 2025-08-18. Review status: criteria provided, single submitter. Criteria: Invitae Variant Classification Sherloc (09022015). Collection method: clinical testing. Allele origin: germline.
Comment: This sequence change affects a donor splice site in intron 1 of the G6PC3 gene. It is expected to disrupt RNA splicing. Variants that disrupt the donor or acceptor splice site typically lead to a loss of protein function (PMID: 16199547), and loss-of-function variants in G6PC3 are known to be pathogenic (PMID: 19118303, 25491320). This variant is present in population databases (rs772298089, gnomAD 0.009%). Disruption of this splice site has been observed in individuals with syndromic severe congenital neutropenia (PMID: 22050868, 27571123). ClinVar contains an entry for this variant (Variation ID: 1430600). Algorithms developed to predict the effect of sequence changes on RNA splicing suggest that this variant may disrupt the consensus splice site. For these reasons, this variant has been classified as Pathogenic.

Literature cited by the submitters: PubMed 16199547; PubMed 19118303; PubMed 25491320; PubMed 22050868; PubMed 27571123.